The following is an entry in ClinVar:

ClinVar aggregate classification (germline): Uncertain significance (1 of 4 stars; one submission).

Conditions:
Gastrointestinal stromal tumor. Also called: Gastrointestinal stromal tumor, somatic; Gastrointestinal stroma tumor. Identifiers: Orphanet 44890, MedGen C0238198, MeSH D046152, MONDO:0011719, OMIM 606764, HP:0100723.

Submission:

Labcorp Genetics (formerly Invitae), Labcorp
Classification: Uncertain significance for Gastrointestinal stromal tumor. Last evaluated: 2025-12-30. Review status: criteria provided, single submitter. Criteria: Invitae Variant Classification Sherloc (09022015). Collection method: clinical testing. Allele origin: germline.
Comment: This sequence change replaces glutamic acid, which is acidic and polar, with alanine, which is neutral and non-polar, at codon 695 of the KIT protein (p.Glu695Ala). This variant is not present in population databases (gnomAD no frequency). This variant has not been reported in the literature in individuals affected with KIT-related conditions. An algorithm developed to predict the effect of missense changes on protein structure and function (PolyPhen-2) suggests that this variant is likely to be disruptive. In summary, the available evidence is currently insufficient to determine the role of this variant in disease. Therefore, it has been classified as a Variant of Uncertain Significance.

NM_000222.3(KIT):c.2084A>C (p.Glu695Ala)

Gene: KIT (KIT proto-oncogene, receptor tyrosine kinase; plus strand). Cytogenetic location: 4q12.
Variant type: single nucleotide variant.
Coding change: c.2084A>C on transcript NM_000222.3 (MANE Select); coding-DNA position 2084, A replaced by C.
Protein change: p.Glu695Ala; replaces glutamic acid 695 with alanine.
Molecular consequence: missense variant.
Genome position (GRCh38, 1-based): chr4:54,729,428, A>C. VCF-style: chr4-54729428-A-C. GRCh37 (hg19) VCF-style: chr4-55595594-A-C.
Other names: c.2072A>C, p.Glu691Ala (NM_001093772.2, NM_001385286.1); c.2087A>C, p.Glu696Ala (NM_001385284.1, NM_001385290.1); c.2084A>C, p.Glu695Ala (NM_001385285.1); c.2075A>C, p.Glu692Ala (NM_001385288.1, NM_001385292.1); short protein forms E691A, E692A, E695A, E696A.
Identifiers: ClinVar variation 4704665 (VCV004704665.1).